The following is an entry in ClinVar:

NM_001035.3(RYR2):c.1292+2T>A

Gene: RYR2 (ryanodine receptor 2; plus strand). Cytogenetic location: 1q43.
Variant type: single nucleotide variant.
Coding change: c.1292+2T>A on transcript NM_001035.3 (MANE Select); the canonical splice donor site of the intron after coding-DNA position 1292, T replaced by A.
Molecular consequence: splice donor variant.
Genome position (GRCh38, 1-based): chr1:237,445,524, T>A. VCF-style: chr1-237445524-T-A. GRCh37 (hg19) VCF-style: chr1-237608824-T-A.
Identifiers: ClinVar variation 3072272 (VCV003072272.1), dbSNP rs2528381679, ClinGen allele CA345377943.
Genomic context (GRCh38, chr1:237,445,524, plus strand): 5'-GAATCACGCACAGCCCGAGTTATCCGGAGCACAGTCTTCCTTTTCAATAGATTTATAAGG[T>A]ACTTTTTCTTTTGTAGGCGTAGTTGTTTGATACTTCATTTTCATTTCTTTATTGGATATG-3'

ClinVar aggregate classification (germline): Uncertain significance (1 of 4 stars; one submission).

Conditions:
Catecholaminergic polymorphic ventricular tachycardia (CVPT). Also called: Catecholamine-induced polymorphic ventricular tachycardia. Identifiers: Orphanet 3286, MedGen C5574922, MONDO:0017990.

Submission:

All of Us Research Program, National Institutes of Health
Classification: Uncertain significance for Catecholaminergic polymorphic ventricular tachycardia. Last evaluated: 2023-06-26. Review status: criteria provided, single submitter. Criteria: ACMG Guidelines, 2015. Collection method: clinical testing. Allele origin: germline. Inheritance: Autosomal dominant inheritance. Observed: 1 variant allele, 1 heterozygote.
Comment: This variant causes a T to A nucleotide substitution at the +2 position of intron 14 of the RYR2 gene. Splice site prediction tools suggest that this variant may have a significant impact on RNA splicing. Although this prediction has not been confirmed in published RNA studies, this variant is expected to result in an absent or disrupted protein product. This variant has not been reported in individuals affected with RYR2-related disorders in the literature. This variant has not been identified in the general population by the Genome Aggregation Database (gnomAD). Clinical relevance of loss-of-function RYR2 truncation and splice variants in autosomal dominant cardiovascular disorders is not clearly established. The available evidence is insufficient to determine the role of this variant in disease conclusively. Therefore, this variant is classified as a Variant of Uncertain Significance.

This study involves interpretation of variants in research participants for the purpose of population health screening. Participant phenotype was not available at the time of variant classification. Additional details can be found in publication PMID: 35346344, PMCID: PMC8962531